The following is an entry in ClinVar:

ClinVar aggregate classification (germline): Uncertain significance (1 of 4 stars; one submission).

Conditions:
Hereditary cancer-predisposing syndrome. Also called: Tumor predisposition; Hereditary Cancer Syndrome; Hereditary neoplastic syndrome; Neoplastic Syndromes, Hereditary. Identifiers: Orphanet 140162, MedGen C0027672, MeSH D009386, MONDO:0015356.

Submission:

Ambry Genetics
Classification: Uncertain significance for Hereditary cancer-predisposing syndrome. Last evaluated: 2024-05-31. Review status: criteria provided, single submitter. Criteria: Ambry Variant Classification Scheme 2023. Collection method: clinical testing. Allele origin: germline.
Comment: The p.D434H variant (also known as c.1300G>C), located in coding exon 9 of the APC gene, results from a G to C substitution at nucleotide position 1300. The aspartic acid at codon 434 is replaced by histidine, an amino acid with similar properties. This amino acid position is conserved. In addition, in silico predictors for this gene do not accurately predict pathogenicity. Based on the available evidence, the clinical significance of this variant remains unclear.

NM_000038.6(APC):c.1300G>C (p.Asp434His)

Gene: APC (APC regulator of Wnt signaling pathway; plus strand). Cytogenetic location: 5q22.2.
Variant type: single nucleotide variant.
Coding change: c.1300G>C on transcript NM_000038.6 (MANE Select); coding-DNA position 1300, G replaced by C.
Protein change: p.Asp434His; replaces aspartic acid 434 with histidine.
Molecular consequence: missense variant. On other transcripts: non-coding transcript variant (2).
Genome position (GRCh38, 1-based): chr5:112,819,332, G>C. VCF-style: chr5-112819332-G-C. GRCh37 (hg19) VCF-style: chr5-112155029-G-C.
Other names: c.1300G>C, p.Asp434His (NM_001127510.3, NM_001354895.2, NM_001354896.2 and 4 more transcripts); c.1246G>C, p.Asp416His (NM_001127511.3); c.1330G>C, p.Asp444His (NM_001354897.2, NM_001407446.1); c.1225G>C, p.Asp409His (NM_001354898.2, NM_001407451.1); c.1216G>C, p.Asp406His (NM_001354899.2, NM_001407452.1); c.1123G>C, p.Asp375His (NM_001354900.2, NM_001354901.2, NM_001407453.1); c.1027G>C, p.Asp343His (NM_001354902.2); c.997G>C, p.Asp333His (NM_001354903.2, NM_001407454.1, NM_001407455.1 and 5 more transcripts); and 5 more; short protein forms D274H, D308H, D333H, D434H, D375H, D416H, D444H, D151H.
Identifiers: ClinVar variation 3305513 (VCV003305513.1).